The following is an entry in ClinVar:

ClinVar aggregate classification (germline): Likely pathogenic (1 of 4 stars; one submission).

Conditions:
Hereditary cancer-predisposing syndrome. Also called: Neoplastic Syndromes, Hereditary; Tumor predisposition; Hereditary neoplastic syndrome; Hereditary Cancer Syndrome. Identifiers: Orphanet 140162, MedGen C0027672, MeSH D009386, MONDO:0015356.

Submission:

Ambry Genetics
Classification: Likely pathogenic for Hereditary cancer-predisposing syndrome. Last evaluated: 2024-10-07. Review status: criteria provided, single submitter. Criteria: Ambry Variant Classification Scheme 2023. Collection method: clinical testing. Allele origin: germline.
Comment: The c.684-430A>T intronic variant results from an A to T substitution 430 nucleotides upstream from coding exon 5 in the CHEK2 gene. This variant is considered to be rare based on population cohorts in the Genome Aggregation Database (gnomAD). This nucleotide position is not well conserved in available vertebrate species. In silico splice site analysis predicts that this alteration will result in the creation or strengthening of a novel splice donor site. RNA studies have demonstrated that this alteration results in abnormal splicing in the set of samples tested (Ambry internal data). Based on the majority of available evidence to date, this variant is likely to be pathogenic.

NM_007194.4(CHEK2):c.684-430A>T

Gene: CHEK2 (checkpoint kinase 2; minus strand). Cytogenetic location: 22q12.1.
Variant type: single nucleotide variant.
Coding change: c.684-430A>T on transcript NM_007194.4 (MANE Select); 430 bases into the intron before coding-DNA position 684, A replaced by T.
Molecular consequence: intron variant.
Genome position (GRCh38, 1-based): chr22:28,712,447, T>A on the plus strand (A>T on the coding strand, the complement: CHEK2 is on the minus strand). VCF-style: chr22-28712447-T-A. GRCh37 (hg19) VCF-style: chr22-29108435-T-A.
Other names: c.21-430A>T (NM_001437942.1, NM_001257387.3); c.483-430A>T (NM_001349956.3); c.684-430A>T (NM_145862.3); c.777-430A>T (NM_001438295.1, NM_001438293.1); c.813-430A>T (NM_001438294.1, NM_001005735.3).
Identifiers: ClinVar variation 3226039 (VCV003226039.2), dbSNP rs2517969730, ClinGen allele CA2825002877.